The following is an entry in ClinVar:

ClinVar aggregate classification (germline): Conflicting classifications of pathogenicity. Review status: criteria provided, conflicting classifications (1 of 4 stars). 2 submissions from 2 submitters: Uncertain significance (1); Likely benign (1). Last evaluated 2026-02-03.

Conditions:
Hereditary cancer-predisposing syndrome. Also called: Tumor predisposition; Hereditary Cancer Syndrome; Neoplastic Syndromes, Hereditary; Hereditary neoplastic syndrome. Identifiers: Orphanet 140162, MedGen C0027672, MeSH D009386, MONDO:0015356.
Gorlin syndrome. Also called: Nevoid Basal Cell Carcinoma Syndrome; Basal cell nevus syndrome. Identifiers: Orphanet 377, MedGen C0004779, MONDO:0007187.

gnomAD v4.1: 9 of 1,613,468 alleles (0.00056%); highest among the groups gnomAD compares: South Asian, 0.0033%; no homozygotes.

Submissions (2):

Labcorp Genetics (formerly Invitae), Labcorp
Classification: Likely benign for Gorlin syndrome. Last evaluated: 2026-02-03. Review status: criteria provided, single submitter. Criteria: Invitae Variant Classification Sherloc (09022015). Collection method: clinical testing. Allele origin: germline.

Ambry Genetics
Classification: Uncertain significance for Hereditary cancer-predisposing syndrome. Last evaluated: 2024-03-22. Review status: criteria provided, single submitter. Criteria: Ambry Variant Classification Scheme 2023. Collection method: clinical testing. Allele origin: germline.
Comment: The p.D1305N variant (also known as c.3913G>A), located in coding exon 23 of the PTCH1 gene, results from a G to A substitution at nucleotide position 3913. The aspartic acid at codon 1305 is replaced by asparagine, an amino acid with highly similar properties. This amino acid position is conserved. In addition, this alteration is predicted to be tolerated by in silico analysis. Since supporting evidence is limited at this time, the clinical significance of this alteration remains unclear.

NM_000264.5(PTCH1):c.3913G>A (p.Asp1305Asn)

Gene: PTCH1 (patched 1; minus strand). Cytogenetic location: 9q22.32.
Variant type: single nucleotide variant.
Coding change: c.3913G>A on transcript NM_000264.5 (MANE Select); coding-DNA position 3913, G replaced by A.
Protein change: p.Asp1305Asn; replaces aspartic acid 1305 with asparagine.
Molecular consequence: missense variant. On other transcripts: non-coding transcript variant (1).
Genome position (GRCh38, 1-based): chr9:95,447,343, C>T on the plus strand (G>A on the coding strand, the complement: PTCH1 is on the minus strand). VCF-style: chr9-95447343-C-T. GRCh37 (hg19) VCF-style: chr9-98209625-C-T.
Other names: c.3715G>A, p.Asp1239Asn (NM_001083602.3); c.3910G>A, p.Asp1304Asn (NM_001083603.3); c.3460G>A, p.Asp1154Asn (NM_001083604.3, NM_001083605.3, NM_001083606.3 and 1 more transcripts); c.3757G>A, p.Asp1253Asn (NM_001354918.2); short protein forms D1239N, D1305N, D1154N, D1253N, D1304N.
Identifiers: ClinVar variation 216386 (VCV000216386.14), dbSNP rs368528885, ClinGen allele CA339428.